The following is an entry in ClinVar:

ClinVar aggregate classification (germline): Pathogenic. Review status: criteria provided, multiple submitters, no conflicts (2 of 4 stars). 7 submissions from 7 submitters: Pathogenic (5). 2 of the submissions do not count toward it. Last evaluated 2025-03-21.

Conditions:
Hereditary cancer-predisposing syndrome. Also called: Hereditary Cancer Syndrome; Hereditary neoplastic syndrome; Tumor predisposition; Neoplastic Syndromes, Hereditary. Identifiers: Orphanet 140162, MedGen C0027672, MeSH D009386, MONDO:0015356.
Familial cancer of breast. Also called: BREAST CANCER, FAMILIAL; hereditary breast carcinoma; Hereditary breast cancer. Identifiers: Orphanet 227535, MedGen C0346153, MONDO:0016419, OMIM 114480. Disease mechanism: loss of function.

gnomAD v4.1: 1 of 1,614,060 alleles (0.000062%); highest among the groups gnomAD compares: Non-Finnish European, 0.000085%; no homozygotes.

Submissions (7):

Ambry Genetics
Classification: Pathogenic for Hereditary cancer-predisposing syndrome. Last evaluated: 2025-03-21. Review status: criteria provided, single submitter. Criteria: Ambry Variant Classification Scheme 2023. Collection method: clinical testing. Allele origin: germline.
Comment: The p.S168* pathogenic mutation (also known as c.503C>A), located in coding exon 4 of the PALB2 gene, results from a C to A substitution at nucleotide position 503. This changes the amino acid from a serine to a stop codon within coding exon 4. This variant is considered to be rare based on population cohorts in the Genome Aggregation Database (gnomAD). In addition to the clinical data presented in the literature, this alteration is expected to result in loss of function by premature protein truncation or nonsense-mediated mRNA decay. As such, this alteration is interpreted as a disease-causing mutation.

GeneDx
Classification: Pathogenic. Last evaluated: 2025-02-04. Review status: criteria provided, single submitter. Criteria: GeneDx Variant Classification Process June 2021. Collection method: clinical testing. Allele origin: germline. Affected: yes.
Comment: Nonsense variant predicted to result in protein truncation or nonsense mediated decay in a gene for which loss of function is a known mechanism of disease; Not observed at significant frequency in large population cohorts (gnomAD); Truncating variants in this gene are considered pathogenic by a well-established clinical consortium and/or database; This variant is associated with the following publications: (PMID: 21618343, 33471991, 25525159, 27191893, 24870022, 32546565, 22692731)

Labcorp Genetics (formerly Invitae), Labcorp
Classification: Pathogenic for Familial cancer of breast. Last evaluated: 2024-08-31. Review status: criteria provided, single submitter. Criteria: Invitae Variant Classification Sherloc (09022015). Collection method: clinical testing. Allele origin: germline.
Comment: This sequence change creates a premature translational stop signal (p.Ser168*) in the PALB2 gene. It is expected to result in an absent or disrupted protein product. Loss-of-function variants in PALB2 are known to be pathogenic (PMID: 17200668, 17200671, 17200672, 24136930, 25099575). This variant is not present in population databases (gnomAD no frequency). This premature translational stop signal has been observed in individual(s) with breast cancer (PMID: 21618343). ClinVar contains an entry for this variant (Variation ID: 126754). For these reasons, this variant has been classified as Pathogenic.

Quest Diagnostics Nichols Institute San Juan Capistrano
Classification: Pathogenic. Last evaluated: 2023-10-19. Review status: criteria provided, single submitter. Criteria: Quest Diagnostics criteria. Collection method: clinical testing. Allele origin: unknown.
Comment: The PALB2 c.503C>A (p.Ser168*) variant causes the premature termination of PALB2 protein synthesis. This variant has been reported in the published literature in individuals with breast cancer (PMIDs: 21618343 (2011) and 31619740 (2019)). This variant has not been reported in large, multi-ethnic general populations (Genome Aggregation Database). Based on the available information, this variant is classified as pathogenic.

Myriad Genetics, Inc.
Classification: Pathogenic for Familial cancer of breast. Last evaluated: 2023-03-31. Review status: criteria provided, single submitter. Criteria: Myriad Autosomal Dominant, Autosomal Recessive and X-Linked Classification Criteria (2023). Collection method: clinical testing. Allele origin: unknown.
Comment: This variant is considered pathogenic. This variant creates a termination codon and is predicted to result in premature protein truncation.

Leiden Open Variation Database
Classification: Pathogenic for Familial cancer of breast. Last evaluated: 2019-05-13. Review status: no assertion criteria provided. Collection method: curation. Allele origin: germline. Affected: yes. Not counted in ClinVar's aggregate classification.
Comment: Curators: Marc Tischkowitz, Arleen D. Auerbach. Submitter to LOVD: Marc Tischkowitz.

Counsyl
Classification: Likely pathogenic for Familial cancer of breast. Last evaluated: 2017-05-22. Review status: no assertion criteria provided. Collection method: clinical testing. Allele origin: unknown. Not counted in ClinVar's aggregate classification.

Literature cited by the submitters: PubMed 21618343 (cited by 5 submitters); PubMed 17200668 (cited by Labcorp Genetics (formerly Invitae), Labcorp); PubMed 17200671 (cited by Labcorp Genetics (formerly Invitae), Labcorp); PubMed 17200672 (cited by Labcorp Genetics (formerly Invitae), Labcorp); PubMed 24136930 (cited by Labcorp Genetics (formerly Invitae), Labcorp); PubMed 25099575 (cited by Labcorp Genetics (formerly Invitae), Labcorp); PubMed 22692731 (cited by Quest Diagnostics Nichols Institute San Juan Capistrano); PubMed 31619740 (cited by Quest Diagnostics Nichols Institute San Juan Capistrano); PubMed 32546565 (cited by Quest Diagnostics Nichols Institute San Juan Capistrano); PubMed 33471991 (cited by Quest Diagnostics Nichols Institute San Juan Capistrano); PubMed 25525159 (cited by Quest Diagnostics Nichols Institute San Juan Capistrano); PubMed 37461096 (cited by Quest Diagnostics Nichols Institute San Juan Capistrano); PubMed 27153395 (cited by Quest Diagnostics Nichols Institute San Juan Capistrano).

NM_024675.4(PALB2):c.503C>A (p.Ser168Ter)

Gene: PALB2 (partner and localizer of BRCA2; minus strand). Cytogenetic location: 16p12.2.
Variant type: single nucleotide variant.
Coding change: c.503C>A on transcript NM_024675.4 (MANE Select); coding-DNA position 503, C replaced by A.
Protein change: p.Ser168Ter; replaces serine 168 with a stop codon.
Molecular consequence: nonsense.
Genome position (GRCh38, 1-based): chr16:23,636,043, G>T on the plus strand (C>A on the coding strand, the complement: PALB2 is on the minus strand). VCF-style: chr16-23636043-G-T. GRCh37 (hg19) VCF-style: chr16-23647364-G-T.
Other names: short protein forms S168*.
Identifiers: ClinVar variation 126754 (VCV000126754.25), dbSNP rs515726122, ClinGen allele CA269633.